The following is an entry in ClinVar:

ClinVar aggregate classification (germline): Uncertain significance (1 of 4 stars; one submission).

Submission:

Labcorp Genetics (formerly Invitae), Labcorp
Classification: Uncertain significance. Last evaluated: 2024-05-09. Review status: criteria provided, single submitter. Criteria: Invitae Variant Classification Sherloc (09022015). Collection method: clinical testing. Allele origin: germline.
Comment: This sequence change replaces serine, which is neutral and polar, with cysteine, which is neutral and slightly polar, at codon 505 of the ZNF513 protein (p.Ser505Cys). This variant is present in population databases (rs747017738, gnomAD no frequency). This variant has not been reported in the literature in individuals affected with ZNF513-related conditions. An algorithm developed to predict the effect of missense changes on protein structure and function (PolyPhen-2) suggests that this variant is likely to be disruptive. In summary, the available evidence is currently insufficient to determine the role of this variant in disease. Therefore, it has been classified as a Variant of Uncertain Significance.

NM_144631.6(ZNF513):c.1514C>G (p.Ser505Cys)

Gene: ZNF513 (zinc finger protein 513; minus strand). Cytogenetic location: 2p23.3.
Variant type: single nucleotide variant.
Coding change: c.1514C>G on transcript NM_144631.6 (MANE Select); coding-DNA position 1514, C replaced by G.
Protein change: p.Ser505Cys; replaces serine 505 with cysteine.
Molecular consequence: missense variant.
Genome position (GRCh38, 1-based): chr2:27,377,657, G>C on the plus strand (C>G on the coding strand, the complement: ZNF513 is on the minus strand). VCF-style: chr2-27377657-G-C. GRCh37 (hg19) VCF-style: chr2-27600524-G-C.
Other names: c.1328C>G, p.Ser443Cys (NM_001201459.2); short protein forms S443C, S505C.
Identifiers: ClinVar variation 3687517 (VCV003687517.2).
Genomic context (GRCh38, chr2:27,377,657, plus strand): 5'-GGGCCCCGAGAGCTCAAAACAGAGGGTGGGCTATGAGGTGGGGCCCAGCCCTCAGAGGCA[G>C]AGAGACCAGGCCCTCCTGCCCCACCGTGGCCATGCACCTTCTGGTGGCGCTTGTAGTTGT-3'
Protein context (NP_653232.3, residues 495-515): GHGGAGGPGL[Ser505Cys]ASEGWAPPHS